The following is an entry in ClinVar:

NM_005097.4(LGI1):c.1319T>C (p.Val440Ala)

Gene: LGI1 (leucine rich glioma inactivated 1; plus strand). Cytogenetic location: 10q23.33.
Variant type: single nucleotide variant.
Coding change: c.1319T>C on transcript NM_005097.4 (MANE Select); coding-DNA position 1319, T replaced by C.
Protein change: p.Val440Ala; replaces valine 440 with alanine.
Molecular consequence: missense variant. On other transcripts: non-coding transcript variant (1), intron variant (1).
Genome position (GRCh38, 1-based): chr10:93,797,448, T>C. VCF-style: chr10-93797448-T-C. GRCh37 (hg19) VCF-style: chr10-95557205-T-C.
Other names: c.1175T>C, p.Val392Ala (NM_001308276.2); c.839-301T>C (NM_001308275.2); short protein forms V392A, V440A.
Identifiers: ClinVar variation 2070648 (VCV002070648.4), dbSNP rs755552509, ClinGen allele CA5611252.

ClinVar aggregate classification (germline): Uncertain significance (1 of 4 stars; one submission).

Conditions:
Autosomal dominant epilepsy with auditory features. Identifiers: Orphanet 101046, MedGen C1838062, MONDO:0010898.

Allele frequency attached by ClinVar (database versions not stated): gnomAD exomes 0.00001; TOPMed 0.00002; ExAC 0.00003.
gnomAD v4.1: 6 of 1,614,220 alleles (0.00037%); highest among the groups gnomAD compares: Admixed American, 0.01%; no homozygotes.

Submission:

Labcorp Genetics (formerly Invitae), Labcorp
Classification: Uncertain significance for Autosomal dominant epilepsy with auditory features. Last evaluated: 2023-10-22. Review status: criteria provided, single submitter. Criteria: Invitae Variant Classification Sherloc (09022015). Collection method: clinical testing. Allele origin: germline.
Comment: This sequence change replaces valine, which is neutral and non-polar, with alanine, which is neutral and non-polar, at codon 440 of the LGI1 protein (p.Val440Ala). This variant is present in population databases (rs755552509, gnomAD 0.02%). This variant has not been reported in the literature in individuals affected with LGI1-related conditions. ClinVar contains an entry for this variant (Variation ID: 2070648). An algorithm developed to predict the effect of missense changes on protein structure and function (PolyPhen-2) suggests that this variant is likely to be tolerated. In summary, the available evidence is currently insufficient to determine the role of this variant in disease. Therefore, it has been classified as a Variant of Uncertain Significance.